The following is an entry in ClinVar:

NM_001723.7(DST):c.5372A>T (p.Glu1791Val)

Gene: DST (dystonin; minus strand). Cytogenetic location: 6p12.1.
Variant type: single nucleotide variant.
Coding change: c.5372A>T on transcript NM_001723.7 (MANE Plus Clinical); coding-DNA position 5372, A replaced by T.
Protein change: p.Glu1791Val; replaces glutamic acid 1791 with valine.
Molecular consequence: missense variant. On other transcripts: intron variant (10).
Genome position (GRCh38, 1-based): chr6:56,618,662, T>A on the plus strand (A>T on the coding strand, the complement: DST is on the minus strand). VCF-style: chr6-56618662-T-A. GRCh37 (hg19) VCF-style: chr6-56483460-T-A.
Other names: c.4831-4178A>T (NM_001144769.5); c.4930-4178A>T (NM_001374722.1, NM_001374736.1); c.4957-4178A>T (NM_001374734.1); c.4417-4178A>T (NM_001144770.2); c.4297-4178A>T (NM_001374730.1, NM_001386100.1, NM_183380.4 and 1 more transcripts); c.3319-4178A>T (NM_015548.5); short protein forms E1791V.
Identifiers: ClinVar variation 951124 (VCV000951124.7), dbSNP rs759091759, ClinGen allele CA3870374.
Genomic context (GRCh38, chr6:56,618,662, plus strand): 5'-CGATACTGTTGAAGCTGTCTTTCAAGTTCTTTAATGTTTGTTTCACAAAGCTTAGCATTT[T>A]CTTGGGCTCTAGAGTTTTCTTGTTGAAGAGACACAAAGTCAAGCCTAATGCCTGAAATAT-3'
Protein context (NP_001714.1, residues 1781-1801): SLQQENSRAQ[Glu1791Val]NAKLCETNIK

ClinVar aggregate classification (germline): Uncertain significance (1 of 4 stars; one submission).

Conditions:
Epidermolysis bullosa simplex 3, localized or generalized intermediate, with BP230 deficiency (EBS3). Also called: Epidermolysis bullosa simplex due to BP230 deficiency; Epidermolysis bullosa simplex, autosomal recessive 2. Identifiers: Orphanet 412181, MedGen C3809470, MONDO:0014180, OMIM 615425.
Hereditary sensory and autonomic neuropathy type 6. Also called: Neuropathy, hereditary sensory and autonomic, type VI; HSAN VI. Identifiers: Orphanet 314381, MedGen C3539003, MONDO:0013839, OMIM 614653.

Allele frequency attached by ClinVar (database versions not stated): gnomAD exomes below 0.00001 and 0.00001; TOPMed 0.00001; ExAC 0.00002; gnomAD 0.00003.
gnomAD v4.1: 7 of 1,613,994 alleles (0.00043%); highest among the groups gnomAD compares: Admixed American, 0.0017%; no homozygotes.

Submission:

Labcorp Genetics (formerly Invitae), Labcorp
Classification: Uncertain significance for Epidermolysis bullosa simplex 3, localized or generalized intermediate, with BP230 deficiency; Hereditary sensory and autonomic neuropathy type 6. Last evaluated: 2021-08-28. Review status: criteria provided, single submitter. Criteria: Invitae Variant Classification Sherloc (09022015). Collection method: clinical testing. Allele origin: germline.
Comment: This sequence change replaces glutamic acid with valine at codon 1791 of the DST protein (p.Glu1791Val). The glutamic acid residue is weakly conserved and there is a moderate physicochemical difference between glutamic acid and valine. This variant is present in population databases (rs759091759, ExAC 0.004%). This variant has not been reported in the literature in individuals affected with DST-related conditions. Algorithms developed to predict the effect of missense changes on protein structure and function (SIFT, PolyPhen-2, Align-GVGD) all suggest that this variant is likely to be disruptive. Algorithms developed to predict the effect of sequence changes on RNA splicing suggest that this variant may create or strengthen a splice site. In summary, the available evidence is currently insufficient to determine the role of this variant in disease. Therefore, it has been classified as a Variant of Uncertain Significance.